The following is an entry in ClinVar:

NM_001277115.2(DNAH11):c.7859A>G (p.Tyr2620Cys)

Gene: DNAH11 (dynein axonemal heavy chain 11; plus strand). Cytogenetic location: 7p15.3.
Variant type: single nucleotide variant.
Coding change: c.7859A>G on transcript NM_001277115.2 (MANE Select); coding-DNA position 7859, A replaced by G.
Protein change: p.Tyr2620Cys; replaces tyrosine 2620 with cysteine.
Molecular consequence: missense variant.
Genome position (GRCh38, 1-based): chr7:21,739,618, A>G. VCF-style: chr7-21739618-A-G. GRCh37 (hg19) VCF-style: chr7-21779236-A-G.
Other names: short protein forms Y2620C.
Identifiers: ClinVar variation 944436 (VCV000944436.10), dbSNP rs754268577, ClinGen allele CA4181382.

ClinVar aggregate classification (germline): Uncertain significance (1 of 4 stars; one submission).

Conditions:
Primary ciliary dyskinesia. Also called: Ciliary dyskinesia. Identifiers: Orphanet 244, MedGen C0008780, MONDO:0016575, HP:0012265.

Allele frequency attached by ClinVar (database versions not stated): gnomAD exomes below 0.00001; ExAC 0.00001.
gnomAD v4.1: 2 of 1,612,972 alleles (0.00012%); highest among the groups gnomAD compares: Non-Finnish European, 0.000085%; no homozygotes.

Submission:

Labcorp Genetics (formerly Invitae), Labcorp
Classification: Uncertain significance for Primary ciliary dyskinesia. Last evaluated: 2019-04-18. Review status: criteria provided, single submitter. Criteria: Invitae Variant Classification Sherloc (09022015). Collection method: clinical testing. Allele origin: germline.
Comment: This sequence change replaces tyrosine with cysteine at codon 2620 of the DNAH11 protein (p.Tyr2620Cys). The tyrosine residue is highly conserved and there is a large physicochemical difference between tyrosine and cysteine. This variant is present in population databases (rs754268577, ExAC 0.001%). This variant has not been reported in the literature in individuals with DNAH11-related conditions. Algorithms developed to predict the effect of missense changes on protein structure and function (SIFT, PolyPhen-2, Align-GVGD) all suggest that this variant is likely to be disruptive, but these predictions have not been confirmed by published functional studies and their clinical significance is uncertain. In summary, the available evidence is currently insufficient to determine the role of this variant in disease. Therefore, it has been classified as a Variant of Uncertain Significance.